The following is an entry in ClinVar:

NM_001008537.3(NEXMIF):c.653G>A (p.Arg218Gln)

Gene: NEXMIF (neurite extension and migration factor; minus strand). Cytogenetic location: Xq13.3.
Variant type: single nucleotide variant.
Coding change: c.653G>A on transcript NM_001008537.3 (MANE Select); coding-DNA position 653, G replaced by A.
Protein change: p.Arg218Gln; replaces arginine 218 with glutamine.
Molecular consequence: missense variant.
Genome position (GRCh38, 1-based): chrX:74,743,904, C>T on the plus strand (G>A on the coding strand, the complement: NEXMIF is on the minus strand). VCF-style: chrX-74743904-C-T. GRCh37 (hg19) VCF-style: chrX-73963739-C-T.
Other names: short protein forms R218Q.
Identifiers: ClinVar variation 590127 (VCV000590127.31), dbSNP rs747496798, ClinGen allele CA10455190.
Genomic context (GRCh38, chrX:74,743,904, plus strand): 5'-GCCTCATAATAGCTTTTCTGAGCCGGATCCTCCAAGTCAATGTCAGGTTTCTCAGTTTCT[C>T]GTCTGTCTCCTGCCCTTGACTTATGCAGGGGGAAGCCTAGGAGCTGGTCTGAGAGCAGCT-3'
Protein context (NP_001008537.1, residues 208-228): PLHKSRAGDR[Arg218Gln]ETEKPDIDLE

ClinVar aggregate classification (germline): Conflicting classifications of pathogenicity. Review status: criteria provided, conflicting classifications (1 of 4 stars). 4 submissions from 4 submitters: Uncertain significance (1); Likely benign (3). Last evaluated 2026-01-14.

Conditions:
X-linked intellectual disability, Cantagrel type (XLID98). Also called: INTELLECTUAL DEVELOPMENTAL DISORDER, X-LINKED 98. Identifiers: Orphanet 85277, MedGen C3806730, MONDO:0010483, OMIM 300912.

Allele frequency attached by ClinVar (database versions not stated): gnomAD exomes 0.00002; TOPMed 0.00002; gnomAD 0.00001; ExAC 0.00002.
gnomAD v4.1: 18 of 1,209,305 alleles (0.0015%); highest among the groups gnomAD compares: East Asian, 0.012%; no homozygotes.

Submissions (4):

Labcorp Genetics (formerly Invitae), Labcorp
Classification: Uncertain significance. Last evaluated: 2026-01-14. Review status: criteria provided, single submitter. Criteria: Invitae Variant Classification Sherloc (09022015). Collection method: clinical testing. Allele origin: germline.
Comment: This sequence change replaces arginine, which is basic and polar, with glutamine, which is neutral and polar, at codon 218 of the NEXMIF protein (p.Arg218Gln). This variant is present in population databases (rs747496798, gnomAD 0.02%), including at least one homozygous and/or hemizygous individual. This variant has not been reported in the literature in individuals affected with NEXMIF-related conditions. ClinVar contains an entry for this variant (Variation ID: 590127). An algorithm developed to predict the effect of missense changes on protein structure and function outputs the following: PolyPhen-2: "Benign". The glutamine amino acid residue is found in multiple mammalian species, which suggests that this missense change does not adversely affect protein function. In summary, the available evidence is currently insufficient to determine the role of this variant in disease. Therefore, it has been classified as a Variant of Uncertain Significance.

CeGaT Center for Human Genetics Tuebingen
Classification: Likely benign. Last evaluated: 2022-08-01. Review status: criteria provided, single submitter. Criteria: CeGaT Center For Human Genetics Tuebingen Variant Classification Criteria Version 2. Collection method: clinical testing. Allele origin: germline. Affected: yes. Observed: 1 variant allele.
Comment: NEXMIF: BP4

Ambry Genetics
Classification: Likely benign. Last evaluated: 2022-07-27. Review status: criteria provided, single submitter. Criteria: Ambry Variant Classification Scheme 2023. Collection method: clinical testing. Allele origin: germline.

New York Genome Center
Classification: Likely benign for X-linked intellectual disability, Cantagrel type. Last evaluated: 2019-10-02. Review status: criteria provided, single submitter. Criteria: NYGC Assertion Criteria 2020. Collection method: clinical testing. Allele origin: paternal. Inheritance: X-linked inheritance. Observed: 1 heterozygote. Study: CSER-NYCKidSeq. Segregation with disease not observed.